The following is an entry in ClinVar:

ClinVar aggregate classification (germline): Uncertain significance (1 of 4 stars; one submission).

Conditions:
COL1A1-related disorder. Also called: COL1A1-related condition; COL1A1- related disease.

Submission:

3billion
Classification: Uncertain significance for COL1A1-related disorder. Last evaluated: 2025-12-18. Review status: criteria provided, single submitter. Criteria: ACMG Guidelines, 2015. Collection method: clinical testing. Allele origin: germline. Affected: yes.
Comment: The variant is not observed in the gnomAD v4.1.0 dataset. Predicted Consequence/Location: Missense variant In silico tool predictions suggest damaging effect of the variant on gene or gene product [REVEL: 0.92 (>=0.6, sensitivity 0.68 and specificity 0.92)]. A different missense change at the same codon (p.Val1289Leu) has been reported to be associated with COL1A1-related disorder (ClinVar ID: VCV000432942). However the evidence of pathogenicity is insufficient at this time. Therefore, this variant is classified as VUS according to the recommendation of ACMG/AMP guideline.

NM_000088.4(COL1A1):c.3865G>T (p.Val1289Phe)

Gene: COL1A1 (collagen type I alpha 1 chain; minus strand). Cytogenetic location: 17q21.33.
Variant type: single nucleotide variant.
Coding change: c.3865G>T on transcript NM_000088.4 (MANE Select); coding-DNA position 3865, G replaced by T.
Protein change: p.Val1289Phe; replaces valine 1289 with phenylalanine.
Molecular consequence: missense variant.
Genome position (GRCh38, 1-based): chr17:50,186,457, C>A on the plus strand (G>T on the coding strand, the complement: COL1A1 is on the minus strand). VCF-style: chr17-50186457-C-A. GRCh37 (hg19) VCF-style: chr17-48263818-C-A.
Other names: short protein forms V1289F.
Identifiers: ClinVar variation 4855843 (VCV004855843.1).